The following is an entry in ClinVar:

NM_001282531.3(ADNP):c.2713_2715del (p.Asn905del)

Gene: ADNP (activity dependent neuroprotector homeobox; minus strand). Cytogenetic location: 20q13.13.
Variant type: Deletion.
Coding change: c.2713_2715del on transcript NM_001282531.3 (MANE Select); coding-DNA positions 2713 to 2715, 3 bases deleted (AAC; older notation c.2713_2715delAAC).
Protein change: p.Asn905del; deletes asparagine 905.
Molecular consequence: inframe deletion.
Genome position (GRCh38, 1-based): chr20:50,891,999-50,892,001, GTT deleted on the plus strand (AAC on the coding strand, the reverse complement: ADNP is on the minus strand). VCF-style (leftmost placement, unchanged base first): chr20-50891998-CGTT-C. GRCh37 (hg19) VCF-style: chr20-49508535-CGTT-C.
Other names: c.2713_2715del, p.Asn905del (NM_001282532.2, NM_001347511.2, NM_015339.5 and 1 more transcripts); short protein forms N905del.
Identifiers: ClinVar variation 1795094 (VCV001795094.2), dbSNP rs2515576313, ClinGen allele CA2539158786.

ClinVar aggregate classification (germline): Uncertain significance (1 of 4 stars; one submission).

Conditions:
Inborn genetic diseases. Identifiers: MedGen C0950123, MeSH D030342.

Submission:

Ambry Genetics
Classification: Uncertain significance for Inborn genetic diseases. Last evaluated: 2020-03-23. Review status: criteria provided, single submitter. Criteria: Ambry Variant Classification Scheme 2023. Collection method: clinical testing. Allele origin: germline.
Comment: The c.2713_2715delAAC variant (also known as p.N905del) is located in coding exon 3 of the ADNP gene. This variant results from an in-frame AAC deletion at nucleotide positions 2713 to 2715. This results in the in-frame deletion of a asparagine residue at codon 905. This amino acid position is poorly conserved in available vertebrate species. Since supporting evidence is limited at this time, the clinical significance of this alteration remains unclear.